The following is an entry in ClinVar:

NM_001374736.1(DST):c.2487G>A (p.Met829Ile)

Gene: DST (dystonin; minus strand). Cytogenetic location: 6p12.1.
Variant type: single nucleotide variant.
Coding change: c.2487G>A on transcript NM_001374736.1 (MANE Select); coding-DNA position 2487, G replaced by A.
Protein change: p.Met829Ile; replaces methionine 829 with isoleucine.
Molecular consequence: missense variant.
Genome position (GRCh38, 1-based): chr6:56,640,146, C>T on the plus strand (G>A on the coding strand, the complement: DST is on the minus strand). VCF-style: chr6-56640146-C-T. GRCh37 (hg19) VCF-style: chr6-56504944-C-T.
Other names: c.2388G>A, p.Met796Ile (NM_001144769.5); c.1974G>A, p.Met658Ile (NM_001144770.2); c.2487G>A, p.Met829Ile (NM_001374722.1); c.1854G>A, p.Met618Ile (NM_001374729.1, NM_001374730.1, NM_001386100.1 and 1 more transcripts); c.2514G>A, p.Met838Ile (NM_001374734.1); c.876G>A, p.Met292Ile (NM_001723.7, NM_015548.5); short protein forms M618I, M829I, M658I, M796I, M838I, M292I.
Identifiers: ClinVar variation 839641 (VCV000839641.10), dbSNP rs2098877903, ClinGen allele CA364578219.

ClinVar aggregate classification (germline): Uncertain significance (1 of 4 stars; one submission).

Conditions:
Hereditary sensory and autonomic neuropathy type 6. Also called: HSAN VI; Neuropathy, hereditary sensory and autonomic, type VI. Identifiers: Orphanet 314381, MedGen C3539003, MONDO:0013839, OMIM 614653.
Epidermolysis bullosa simplex 3, localized or generalized intermediate, with BP230 deficiency (EBS3). Also called: Epidermolysis bullosa simplex due to BP230 deficiency; Epidermolysis bullosa simplex, autosomal recessive 2. Identifiers: Orphanet 412181, MedGen C3809470, MONDO:0014180, OMIM 615425.

Allele frequency attached by ClinVar (database versions not stated): gnomAD exomes below 0.00001; TOPMed below 0.00001.
gnomAD v4.1: 1 of 1,613,694 alleles (0.000062%); highest among the groups gnomAD compares: Non-Finnish European, 0.000085%; no homozygotes.

Submission:

Labcorp Genetics (formerly Invitae), Labcorp
Classification: Uncertain significance for Epidermolysis bullosa simplex 3, localized or generalized intermediate, with BP230 deficiency; Hereditary sensory and autonomic neuropathy type 6. Last evaluated: 2019-12-29. Review status: criteria provided, single submitter. Criteria: Invitae Variant Classification Sherloc (09022015). Collection method: clinical testing. Allele origin: germline.
Comment: In summary, the available evidence is currently insufficient to determine the role of this variant in disease. Therefore, it has been classified as a Variant of Uncertain Significance. Algorithms developed to predict the effect of missense changes on protein structure and function are either unavailable or do not agree on the potential impact of this missense change (SIFT: "Deleterious"; PolyPhen-2: "Probably Damaging"; Align-GVGD: "Class C0"). This variant has not been reported in the literature in individuals with DST-related conditions. This variant is not present in population databases (ExAC no frequency). This sequence change replaces methionine with isoleucine at codon 292 of the DST protein (p.Met292Ile). The methionine residue is highly conserved and there is a small physicochemical difference between methionine and isoleucine.